The following is an entry in ClinVar:

ClinVar aggregate classification (germline): Uncertain significance (1 of 4 stars; one submission).

Conditions:
ENHANCED S-CONE SYNDROME 1 (ESCS1). Also called: RETINOSCHISIS WITH EARLY HEMERALOPIA; FAVRE HYALOIDEORETINAL DEGENERATION. Identifiers: MedGen CN380299, OMIM 268100.

Submission:

Myriad Genetics, Inc.
Classification: Uncertain significance for ENHANCED S-CONE SYNDROME 1. Last evaluated: 2026-05-01. Review status: criteria provided, single submitter. Criteria: Myriad Autosomal Dominant, Autosomal Recessive and X-Linked Classification Criteria (2023). Collection method: clinical testing. Allele origin: unknown.
Comment: NM_014249.2(NR2E3):c.1065_1082dup18(Q355_H360dup) is an in-frame insertion classified as a variant of uncertain significance in the context of enhanced S-cone syndrome. Q355_H360dup has not been observed in cases with relevant disease. Relevant functional assessments of this variant are not available in the literature. Q355_H360dup has been observed in referenced population frequency databases. In summary, there is insufficient evidence to classify NM_014249.2(NR2E3):c.1065_1082dup18(Q355_H360dup) as pathogenic or benign. Please note: this variant was assessed in the context of healthy population screening.

NM_014249.4(NR2E3):c.1065_1082dup (p.His360_His361insGlnHisSerLysAlaHis)

Gene: NR2E3 (nuclear receptor subfamily 2 group E member 3; plus strand). Cytogenetic location: 15q23.
Variant type: Duplication.
Coding change: c.1065_1082dup on transcript NM_014249.4 (MANE Select); coding-DNA positions 1065 to 1082, 18 bases duplicated (GCACAGCAAGGCCCACCA).
Protein change: p.His360_His361insGlnHisSerLysAlaHis.
Molecular consequence: inframe insertion.
Genome position (GRCh38, 1-based): chr15:71,814,082-71,814,099, GCACAGCAAGGCCCACCA duplicated; duplicating any 18 consecutive bases within chr15:71,814,079-71,814,099 gives the same sequence; the c. name uses the placement nearest the transcript's 3' end. VCF-style (leftmost placement, unchanged base first): chr15-71814078-G-GCCAGCACAGCAAGGCCCA. GRCh37 (hg19) VCF-style: chr15-72106419-G-GCCAGCACAGCAAGGCCCA.
Other names: c.1065_1082dup, p.His360_His361insGlnHisSerLysAlaHis (NM_016346.4).
Identifiers: ClinVar variation 5003761 (VCV005003761.1).
Genomic context (GRCh38, chr15:71,814,078, plus strand): 5'-GGGGCCTGAAGGATCCTGAGCACGTAGAGGCCTTGCAGGACCAGTCCCAAGTGATGCTGA[G>GCCAGCACAGCAAGGCCCA]CCAGCACAGCAAGGCCCACCACCCCAGCCAGCCCGTGAGGTGACCTGAGCATGCGCCCAC-3'